The following is an entry in ClinVar:

NM_000044.6(AR):c.2162dup (p.Ala722fs)

Gene: AR (androgen receptor; plus strand). Cytogenetic location: Xq12.
Variant type: Duplication.
Coding change: c.2162dup on transcript NM_000044.6 (MANE Select); coding-DNA position 2162, one base duplicated (A; older notation c.2162dupA).
Protein change: p.Ala722fs; shifts the reading frame from alanine 722.
Molecular consequence: frameshift variant.
Genome position (GRCh38, 1-based): chrX:67,711,678, A duplicated; the last of 2 consecutive A bases (chrX:67,711,677-67,711,678); duplicating either gives the same sequence. VCF-style (leftmost placement, unchanged base first): chrX-67711676-C-CA. GRCh37 (hg19) VCF-style: chrX-66931518-C-CA.
Other names: c.566dup, p.Ala190fs (NM_001011645.3); short protein forms A190fs, A722fs.
Identifiers: ClinVar variation 2067703 (VCV002067703.4), dbSNP rs2519829445, ClinGen allele CA2580101279.
Genomic context (GRCh38, chrX:67,711,676, plus strand): 5'-CTTGCTCTCTAGCCTCAATGAACTGGGAGAGAGACAGCTTGTACACGTGGTCAAGTGGGC[C>CA]AAGGCCTTGCCTGGTAAGGAAAAGGGAAGTGGGAGCATGAGATAAGGGGGATCATATTTA-3'

ClinVar aggregate classification (germline): Pathogenic (1 of 4 stars; one submission).

Conditions:
Androgen resistance syndrome (AIS). Also called: ANDROGEN RECEPTOR DEFICIENCY; DIHYDROTESTOSTERONE RECEPTOR DEFICIENCY; TESTICULAR FEMINIZATION SYNDROME; Androgen insensitivity syndrome due to coactivator deficiency; Androgen insensitivity syndrome; Androgen insensitivity. Identifiers: Orphanet 754, Orphanet 99429, MedGen C0039585, MONDO:0019154, OMIM 300068. Disease mechanism: loss of function.
Kennedy disease (SMAX1). Also called: SPINAL AND BULBAR MUSCULAR ATROPHY, X-LINKED 1; KENNEDY SPINAL AND BULBAR MUSCULAR ATROPHY; Spinal and Bulbar Muscular Atrophy. Identifiers: Orphanet 481, MedGen C1839259, MONDO:0010735, OMIM 313200.

Submission:

Labcorp Genetics (formerly Invitae), Labcorp
Classification: Pathogenic for Kennedy disease; Androgen resistance syndrome. Last evaluated: 2021-12-31. Review status: criteria provided, single submitter. Criteria: Invitae Variant Classification Sherloc (09022015). Collection method: clinical testing. Allele origin: germline.
Comment: This variant is not present in population databases (gnomAD no frequency). For these reasons, this variant has been classified as Pathogenic. This variant has not been reported in the literature in individuals affected with AR-related conditions. This sequence change creates a premature translational stop signal (p.Ala722Glyfs*47) in the AR gene. It is expected to result in an absent or disrupted protein product. Loss-of-function variants in AR are known to be pathogenic (PMID: 19463997).

Literature cited by the submitters: PubMed 19463997.